The following is an entry in ClinVar:

NM_024312.5(GNPTAB):c.905_908del (p.Leu302fs)

Gene: GNPTAB (N-acetylglucosamine-1-phosphate transferase subunits alpha and beta; minus strand). Cytogenetic location: 12q23.2.
Variant type: Microsatellite.
Coding change: c.905_908del on transcript NM_024312.5 (MANE Select); coding-DNA positions 905 to 908, 4 bases deleted (TATT; older notation c.905_908delTATT).
Protein change: p.Leu302fs; shifts the reading frame from leucine 302.
Molecular consequence: frameshift variant.
Genome position (GRCh38, 1-based): chr12:101,771,021-101,771,024, AATA deleted on the plus strand (TATT on the coding strand, the reverse complement: GNPTAB is on the minus strand); deleting any 4 consecutive bases within chr12:101,771,021-101,771,028 gives the same sequence; the c. name uses the placement nearest the transcript's 3' end. VCF-style (leftmost placement, unchanged base first): chr12-101771020-TAATA-T. GRCh37 (hg19) VCF-style: chr12-102164798-TAATA-T.
Other names: short protein forms L302fs.
Identifiers: ClinVar variation 2022299 (VCV002022299.4), dbSNP rs2547961812, ClinGen allele CA2580616843.

ClinVar aggregate classification (germline): Pathogenic (1 of 4 stars; one submission).

Conditions:
Pseudo-Hurler polydystrophy. Also called: MUCOLIPIDOSIS IIIA; ML III; ML III ALPHA/BETA; Type III Mucolipidosis; ML IIIA; Mucolipidosis III Alpha/Beta. Identifiers: Orphanet 423461, Orphanet 577, MedGen C0033788, MONDO:0018931, OMIM 252600.
Mucolipidosis type II. Also called: Mucolipidosis II Alpha/Beta; ML II ALPHA/BETA; Mucolipidosis 2; ML 2; Inclusion cell disease; Leroy Disease. Identifiers: Orphanet 576, MedGen C2673377, MONDO:0009650, OMIM 252500.

Submission:

Labcorp Genetics (formerly Invitae), Labcorp
Classification: Pathogenic for Pseudo-Hurler polydystrophy; Mucolipidosis type II. Last evaluated: 2022-08-06. Review status: criteria provided, single submitter. Criteria: Invitae Variant Classification Sherloc (09022015). Collection method: clinical testing. Allele origin: germline.
Comment: This variant is not present in population databases (gnomAD no frequency). This sequence change creates a premature translational stop signal (p.Leu302Tyrfs*4) in the GNPTAB gene. It is expected to result in an absent or disrupted protein product. Loss-of-function variants in GNPTAB are known to be pathogenic (PMID: 19617216, 25107912). For these reasons, this variant has been classified as Pathogenic. This variant has not been reported in the literature in individuals affected with GNPTAB-related conditions.

Literature cited by the submitters: PubMed 19617216; PubMed 25107912.